The following is an entry in ClinVar:

NM_001393504.1(MAST3):c.2310C>A (p.Asp770Glu)

Gene: MAST3 (microtubule associated serine/threonine kinase 3; plus strand). Cytogenetic location: 19p13.11.
Variant type: single nucleotide variant.
Coding change: c.2310C>A on transcript NM_001393504.1 (MANE Select); coding-DNA position 2310, C replaced by A.
Protein change: p.Asp770Glu; replaces aspartic acid 770 with glutamic acid.
Molecular consequence: missense variant.
Genome position (GRCh38, 1-based): chr19:18,141,986, C>A. VCF-style: chr19-18141986-C-A. GRCh37 (hg19) VCF-style: chr19-18252796-C-A.
Other names: c.2334C>A, p.Asp778Glu (NM_001393501.1); c.2313C>A, p.Asp771Glu (NM_001393502.1); c.2310C>A, p.Asp770Glu (NM_001393503.1); c.2307C>A, p.Asp769Glu (NM_001393505.1); c.2262C>A, p.Asp754Glu (NM_001393506.1, NM_001393513.1); c.2289C>A, p.Asp763Glu (NM_001393507.1); c.2244C>A, p.Asp748Glu (NM_001393508.1, NM_001393516.1); c.2241C>A, p.Asp747Glu (NM_001393509.1, NM_001393510.1, NM_001393512.1 and 2 more transcripts); and 4 more; short protein forms D732E, D740E, D741E, D746E, D747E, D748E, D754E, D763E.
Identifiers: ClinVar variation 4681840 (VCV004681840.5).

ClinVar aggregate classification (germline): Uncertain significance (1 of 4 stars; one submission).

Submission:

CeGaT Center for Human Genetics Tuebingen
Classification: Uncertain significance. Last evaluated: 2025-12-01. Review status: criteria provided, single submitter. Criteria: CeGaT Center For Human Genetics Tuebingen Variant Classification Criteria Version 2. Collection method: clinical testing. Allele origin: germline. Affected: yes. Observed: 1 variant allele.
Comment: MAST3: PM2, BP4